The following is an entry in ClinVar:

ClinVar aggregate classification (germline): Conflicting classifications of pathogenicity. Review status: criteria provided, conflicting classifications (1 of 4 stars). 4 submissions from 4 submitters: Uncertain significance (1); Benign (2). 1 of the submissions does not count toward it. Last evaluated 2025-12-21.

Conditions:
LAMA5-related disorder. Also called: LAMA5-Related Disorders; LAMA5-related condition.
Inborn genetic diseases. Identifiers: MedGen C0950123, MeSH D030342.

Allele frequency attached by ClinVar (database versions not stated): gnomAD 0.00004 and 0.00015; TOPMed 0.00011; 1000 Genomes Project 30x 0.00062; ExAC 0.00065; gnomAD exomes 0.00072; 1000 Genomes Project 0.00080.
gnomAD v4.1: 500 of 1,585,246 alleles (0.032%); highest among the groups gnomAD compares: South Asian, 0.52%; 4 homozygotes.

Submissions (4):

Labcorp Genetics (formerly Invitae), Labcorp
Classification: Benign. Last evaluated: 2025-12-21. Review status: criteria provided, single submitter. Criteria: Invitae Variant Classification Sherloc (09022015). Collection method: clinical testing. Allele origin: germline.

Ambry Genetics
Classification: Uncertain significance for Inborn genetic diseases. Last evaluated: 2024-03-25. Review status: criteria provided, single submitter. Criteria: Ambry Variant Classification Scheme 2023. Collection method: clinical testing. Allele origin: germline.

Breakthrough Genomics
Classification: Benign. Review status: criteria provided, single submitter. Criteria: ACMG Guidelines, 2015. Collection method: not provided. Allele origin: germline. Inheritance: Autosomal recessive inheritance. Affected: yes.

PreventionGenetics, part of Exact Sciences
Classification: Likely benign for LAMA5-related condition. Last evaluated: 2020-01-07. Review status: no assertion criteria provided. Collection method: clinical testing. Allele origin: germline. Not counted in ClinVar's aggregate classification.
Comment: This variant is classified as likely benign based on ACMG/AMP sequence variant interpretation guidelines (Richards et al. 2015 PMID: 25741868, with internal and published modifications).

NM_005560.6(LAMA5):c.9065C>T (p.Ser3022Leu)

Gene: LAMA5 (laminin subunit alpha 5; minus strand). Cytogenetic location: 20q13.33.
Variant type: single nucleotide variant.
Coding change: c.9065C>T on transcript NM_005560.6 (MANE Select); coding-DNA position 9065, C replaced by T.
Protein change: p.Ser3022Leu; replaces serine 3022 with leucine.
Molecular consequence: missense variant.
Genome position (GRCh38, 1-based): chr20:62,312,901, G>A on the plus strand (C>T on the coding strand, the complement: LAMA5 is on the minus strand). VCF-style: chr20-62312901-G-A. GRCh37 (hg19) VCF-style: chr20-60887957-G-A.
Other names: c.9065C>T (NM_005560.4, NM_005560.3); short protein forms S3022L.
Identifiers: ClinVar variation 1648502 (VCV001648502.12), dbSNP rs546335527, ClinGen allele CA9940448.